The following is an entry in ClinVar:

NM_001267550.2(TTN):c.11311+1485G>C

Gene: TTN (titin; minus strand). Cytogenetic location: 2q31.2.
Variant type: single nucleotide variant.
Coding change: c.11311+1485G>C on transcript NM_001267550.2 (MANE Select); 1485 bases into the intron after coding-DNA position 11311, G replaced by C.
Molecular consequence: intron variant. On other transcripts: synonymous variant (1).
Genome position (GRCh38, 1-based): chr2:178,751,639, C>G on the plus strand (G>C on the coding strand, the complement: TTN is on the minus strand). VCF-style: chr2-178751639-C-G. GRCh37 (hg19) VCF-style: chr2-179616366-C-G.
Other names: c.10761G>C, p.Gly3587= (NM_133379.5); c.10222+1485G>C (NM_003319.4); c.10798+1485G>C (NM_133437.4); c.10597+1485G>C (NM_133432.3); c.10360+1485G>C (NM_133378.4, NM_001256850.1).
Identifiers: ClinVar variation 4980118 (VCV004980118.1).

ClinVar aggregate classification (germline): Likely benign (1 of 4 stars; one submission).

Conditions:
TTN-related disorder. Also called: TTN-related condition; TTN-related disease; TTN-related disorders.

gnomAD v4.1: 20 of 1,613,240 alleles (0.0012%); highest among the groups gnomAD compares: Non-Finnish European, 0.0017%; no homozygotes.

Submission:

PreventionGenetics, part of Exact Sciences
Classification: Likely benign for TTN-related condition. Last evaluated: 2025-09-19. Review status: criteria provided, single submitter. Criteria: ACMG Guidelines, 2015. Collection method: clinical testing. Allele origin: germline.
Comment: This variant is classified as likely benign based on ACMG/AMP sequence variant interpretation guidelines (Richards et al. 2015 PMID: 25741868, with internal and published modifications).